The following is an entry in ClinVar:

ClinVar aggregate classification (germline): Uncertain significance. Review status: criteria provided, multiple submitters, no conflicts (2 of 4 stars). 2 submissions from 2 submitters: Uncertain significance (2). Last evaluated 2022-08-16.

Conditions:
Hereditary spastic paraplegia 7 (SPG7). Also called: Autosomal recessive spastic paraplegia type 7; SPG7-related neurologic disorder; SPASTIC PARAPLEGIA 7, AUTOSOMAL RECESSIVE, WITH OR WITHOUT CEREBELLAR ATAXIA; Spastic paraplegia 7; Hereditary spastic paraplegia Paraplegin type. Identifiers: Orphanet 99013, MedGen C1846564, MONDO:0011803, OMIM 607259.
Inborn genetic diseases. Identifiers: MedGen C0950123, MeSH D030342.

Allele frequency attached by ClinVar (database versions not stated): gnomAD exomes below 0.00001; ExAC 0.00001; gnomAD 0.00003 and 0.00004; TOPMed 0.00003.
gnomAD v4.1: 6 of 1,613,626 alleles (0.00037%); highest among the groups gnomAD compares: African/African-American, 0.008%; no homozygotes.

Submissions (2):

Ambry Genetics
Classification: Uncertain significance for Inborn genetic diseases. Last evaluated: 2022-08-16. Review status: criteria provided, single submitter. Criteria: Ambry Variant Classification Scheme 2023. Collection method: clinical testing. Allele origin: germline.

Labcorp Genetics (formerly Invitae), Labcorp
Classification: Uncertain significance for Hereditary spastic paraplegia 7. Last evaluated: 2021-08-31. Review status: criteria provided, single submitter. Criteria: Invitae Variant Classification Sherloc (09022015). Collection method: clinical testing. Allele origin: germline.
Comment: This sequence change replaces methionine with isoleucine at codon 584 of the SPG7 protein (p.Met584Ile). The methionine residue is weakly conserved and there is a small physicochemical difference between methionine and isoleucine. This variant is present in population databases (rs753337774, ExAC 0.01%). This variant has not been reported in the literature in individuals affected with SPG7-related conditions. Advanced modeling of protein sequence and biophysical properties (such as structural, functional, and spatial information, amino acid conservation, physicochemical variation, residue mobility, and thermodynamic stability) performed at Invitae indicates that this missense variant is not expected to disrupt SPG7 protein function. In summary, the available evidence is currently insufficient to determine the role of this variant in disease. Therefore, it has been classified as a Variant of Uncertain Significance.

NM_003119.4(SPG7):c.1752G>C (p.Met584Ile)

Gene: SPG7 (SPG7 matrix AAA peptidase subunit, paraplegin; plus strand). Cytogenetic location: 16q24.3.
Variant type: single nucleotide variant.
Coding change: c.1752G>C on transcript NM_003119.4 (MANE Select); coding-DNA position 1752, G replaced by C.
Protein change: p.Met584Ile; replaces methionine 584 with isoleucine.
Molecular consequence: missense variant.
Genome position (GRCh38, 1-based): chr16:89,550,582, G>C. VCF-style: chr16-89550582-G-C. GRCh37 (hg19) VCF-style: chr16-89616990-G-C.
Other names: c.1752G>C (NM_003119.2); c.1752G>C, p.Met584Ile (NM_001363850.1); short protein forms M584I.
Identifiers: ClinVar variation 1441268 (VCV001441268.7), dbSNP rs753337774, ClinGen allele CA8244380.